The following is an entry in ClinVar:

NC_000011.9:g.(?_108225537)_(108236236_?)dup

Gene: ATM (ATM serine/threonine kinase; plus strand). Cytogenetic location: 11q22.3.
Variant type: Duplication.
Identifiers: ClinVar variation 4526421 (VCV004526421.1).

ClinVar aggregate classification (germline): Likely pathogenic (1 of 4 stars; one submission).

Conditions:
Hereditary breast ovarian cancer syndrome. Also called: Hereditary breast and ovarian cancer syndrome; BRCA1- and BRCA2-Associated Hereditary Breast and Ovarian Cancer; Hereditary breast and ovarian cancer; Hereditary breast and ovarian cancer syndrome (HBOC); Breast and ovarian cancer; Hereditary breast and/or ovarian cancer syndrome. Identifiers: Orphanet 145, MedGen C0677776, MeSH D061325, MONDO:0003582. Disease mechanism: loss of function.

Submission:

Genetics and Personalized Medicine Clinic, Tartu University Hospital
Classification: Likely pathogenic for Hereditary breast ovarian cancer syndrome. Last evaluated: 2021-03-08. Review status: criteria provided, single submitter. Criteria: ACMG Guidelines, 2015. Collection method: clinical testing. Allele origin: germline. Affected: yes. Observed: 1 variant allele.
Comment: Large duplications involving coding exons can lead to abnormal transcripts or gene dosage imbalance, both recognized mechanisms of disease. If the duplication spans multiple exons, it may disrupt normal splicing or create a non-functional protein, supporting a pathogenic classification under ACMG guidelines (e.g., PVS1 for null effect if proven disruptive, and PM2 if absent from population databases).